The following is an entry in ClinVar:

NM_052947.4(ALPK2):c.176C>T (p.Ser59Phe)

Gene: ALPK2 (alpha kinase 2; minus strand). Cytogenetic location: 18q21.32.
Variant type: single nucleotide variant.
Coding change: c.176C>T on transcript NM_052947.4 (MANE Select); coding-DNA position 176, C replaced by T.
Protein change: p.Ser59Phe; replaces serine 59 with phenylalanine.
Molecular consequence: missense variant.
Genome position (GRCh38, 1-based): chr18:58,607,373, G>A on the plus strand (C>T on the coding strand, the complement: ALPK2 is on the minus strand). VCF-style: chr18-58607373-G-A. GRCh37 (hg19) VCF-style: chr18-56274605-G-A.
Other names: short protein forms S59F.
Identifiers: ClinVar variation 3228585 (VCV003228585.1), dbSNP rs2518912939, ClinGen allele CA402555963.

ClinVar aggregate classification (germline): Uncertain significance (1 of 4 stars; one submission).

Submission:

Ambry Genetics
Classification: Uncertain significance. Last evaluated: 2023-11-22. Review status: criteria provided, single submitter. Criteria: Ambry Variant Classification Scheme 2023. Collection method: clinical testing. Allele origin: germline.
Comment: The p.S59F variant (also known as c.176C>T), located in coding exon 2 of the ALPK2 gene, results from a C to T substitution at nucleotide position 176. The serine at codon 59 is replaced by phenylalanine, an amino acid with highly dissimilar properties. This amino acid position is conserved. In addition, the in silico prediction for this alteration is inconclusive. Since supporting evidence is limited at this time, the clinical significance of this alteration remains unclear.